The following is an entry in ClinVar:

ClinVar aggregate classification (germline): Uncertain significance. Review status: criteria provided, multiple submitters, no conflicts (2 of 4 stars). 2 submissions from 2 submitters: Uncertain significance (2). Last evaluated 2024-07-05.

Conditions:
Inborn genetic diseases. Identifiers: MedGen C0950123, MeSH D030342.
Charcot-Marie-Tooth disease type 4. Also called: Charcot-Marie-Tooth disease, type IV; Charcot-Marie-Tooth, Type 4. Identifiers: Orphanet 64749, MedGen C4082197, MONDO:0018995.

Submissions (2):

Ambry Genetics
Classification: Uncertain significance for Inborn genetic diseases. Last evaluated: 2024-07-05. Review status: criteria provided, single submitter. Criteria: Ambry Variant Classification Scheme 2023. Collection method: clinical testing. Allele origin: germline.

Labcorp Genetics (formerly Invitae), Labcorp
Classification: Uncertain significance for Charcot-Marie-Tooth disease type 4. Last evaluated: 2019-01-20. Review status: criteria provided, single submitter. Criteria: Invitae Variant Classification Sherloc (09022015). Collection method: clinical testing. Allele origin: germline.
Comment: This sequence change replaces threonine with serine at codon 1445 of the PRX protein (p.Thr1445Ser). The threonine residue is moderately conserved and there is a small physicochemical difference between threonine and serine. This variant is not present in population databases (ExAC no frequency). This variant has not been reported in the literature in individuals with PRX-related conditions. Algorithms developed to predict the effect of missense changes on protein structure and function output the following: SIFT: "Tolerated"; PolyPhen-2: "Possibly Damaging"; Align-GVGD: "Class C0". The serine amino acid residue is found in multiple mammalian species, suggesting that this missense change does not adversely affect protein function. These predictions have not been confirmed by published functional studies and their clinical significance is uncertain. In summary, the available evidence is currently insufficient to determine the role of this variant in disease. Therefore, it has been classified as a Variant of Uncertain Significance.

NM_181882.3(PRX):c.4333A>T (p.Thr1445Ser)

Gene: PRX (periaxin; minus strand). Cytogenetic location: 19q13.2.
Variant type: single nucleotide variant.
Coding change: c.4333A>T on transcript NM_181882.3 (MANE Select); coding-DNA position 4333, A replaced by T.
Protein change: p.Thr1445Ser; replaces threonine 1445 with serine.
Molecular consequence: missense variant. On other transcripts: 3 prime UTR variant (1).
Genome position (GRCh38, 1-based): chr19:40,394,019, T>A on the plus strand (A>T on the coding strand, the complement: PRX is on the minus strand). VCF-style: chr19-40394019-T-A. GRCh37 (hg19) VCF-style: chr19-40899926-T-A.
Other names: c.*4538A>T (NM_020956.2); short protein forms T1445S.
Identifiers: ClinVar variation 856549 (VCV000856549.10), dbSNP rs368067072, ClinGen allele CA405889466.
Genomic context (GRCh38, chr19:40,394,019, plus strand): 5'-AGGGGCTTCAGACAGCCGCAGCCTGAGCCCCCTCCATCCTGGCCGGGCCTGGAGCCCCTG[T>A]CTCTGAAAACCCCACGCTGGGCAGCCGCACCCGCAATCCACCCTCTTCCTGGTCCCCACT-3'
Protein context (NP_870998.2, residues 1435-1455): VRLPSVGFSE[Thr1445Ser]GAPGPARMEG